The following is an entry in ClinVar:

NM_000138.5(FBN1):c.5573A>C (p.Asn1858Thr)

Gene: FBN1 (fibrillin 1; minus strand). Cytogenetic location: 15q21.1.
Variant type: single nucleotide variant.
Coding change: c.5573A>C on transcript NM_000138.5 (MANE Select); coding-DNA position 5573, A replaced by C.
Protein change: p.Asn1858Thr; replaces asparagine 1858 with threonine.
Molecular consequence: missense variant.
Genome position (GRCh38, 1-based): chr15:48,448,866, T>G on the plus strand (A>C on the coding strand, the complement: FBN1 is on the minus strand). VCF-style: chr15-48448866-T-G. GRCh37 (hg19) VCF-style: chr15-48741063-T-G.
Other names: short protein forms N1858T.
Identifiers: ClinVar variation 971295 (VCV000971295.9), dbSNP rs751472490, ClinGen allele CA392342356.

ClinVar aggregate classification (germline): Uncertain significance (1 of 4 stars; one submission).

Conditions:
Marfan syndrome (MFS). Also called: FBN1-Related Marfan Syndrome; MARFAN SYNDROME, TYPE I; Marfan syndrome type 1; Marfan's syndrome; Marfan syndrome, classic. Identifiers: Orphanet 284963, Orphanet 558, MedGen C0024796, MONDO:0007947, OMIM 154700.
Familial thoracic aortic aneurysm and aortic dissection (TAAD). Also called: Thoracic aortic aneurysms and dissections. Identifiers: Orphanet 91387, MedGen C4707243, MONDO:0019625.

Submission:

Labcorp Genetics (formerly Invitae), Labcorp
Classification: Uncertain significance for Marfan syndrome; Familial thoracic aortic aneurysm and aortic dissection. Last evaluated: 2019-11-06. Review status: criteria provided, single submitter. Criteria: Invitae Variant Classification Sherloc (09022015). Collection method: clinical testing. Allele origin: germline.
Comment: This sequence change replaces asparagine with threonine at codon 1858 of the FBN1 protein (p.Asn1858Thr). The asparagine residue is highly conserved and there is a small physicochemical difference between asparagine and threonine. This variant is not present in population databases (ExAC no frequency). This variant has not been reported in the literature in individuals with FBN1-related conditions. Algorithms developed to predict the effect of missense changes on protein structure and function are either unavailable or do not agree on the potential impact of this missense change (SIFT: "Deleterious"; PolyPhen-2: "Possibly Damaging"; Align-GVGD: "Class C0"). In summary, the available evidence is currently insufficient to determine the role of this variant in disease. Therefore, it has been classified as a Variant of Uncertain Significance.